The following is an entry in ClinVar:

ClinVar aggregate classification (germline): Uncertain significance. Review status: criteria provided, multiple submitters, no conflicts (2 of 4 stars). 3 submissions from 3 submitters: Uncertain significance (3). Last evaluated 2026-03-19.

Conditions:
Tall stature-scoliosis-macrodactyly of the great toes syndrome. Also called: Epiphyseal chondrodysplasia, miura type. Identifiers: Orphanet 329191, MedGen C4014690, MONDO:0014401, OMIM 615923.
Acromesomelic dysplasia 1, Maroteaux type (AMD1). Also called: ACROMESOMELIC DYSPLASIA 1; ST. HELENA DYSPLASIA. Identifiers: Orphanet 40, MedGen C1864356, MONDO:0011275, OMIM 602875.
NPR2-related disorder. Also called: NPR2-related disorders; NPR2-related condition.
Inborn genetic diseases. Identifiers: MedGen C0950123, MeSH D030342.

Allele frequency attached by ClinVar (database versions not stated): gnomAD exomes 0.00002 and 0.00003; gnomAD 0.00003 and 0.00005; ExAC 0.00005; TOPMed 0.00005.

Submissions (3):

PreventionGenetics, part of Exact Sciences
Classification: Uncertain significance for NPR2-related condition. Last evaluated: 2026-03-19. Review status: criteria provided, single submitter. Criteria: ACMG Guidelines, 2015. Collection method: clinical testing. Allele origin: germline.
Comment: The NPR2 c.2362C>T variant is predicted to result in the amino acid substitution p.Arg788Cys. To our knowledge, this variant has not been reported in individuals with NPR2-related disease in the literature. This variant is reported in 0.0065% of alleles in individuals of South Asian descent in gnomAD. In vitro functional studies revealed that this variant causes increased receptor activity (Table S7, Jeong et al. 2026. PubMedID: 41512838). At this time, the clinical significance of this variant is uncertain due to the absence of conclusive functional and genetic evidence.

Labcorp Genetics (formerly Invitae), Labcorp
Classification: Uncertain significance for Tall stature-scoliosis-macrodactyly of the great toes syndrome; Acromesomelic dysplasia 1, Maroteaux type. Last evaluated: 2025-07-11. Review status: criteria provided, single submitter. Criteria: Invitae Variant Classification Sherloc (09022015). Collection method: clinical testing. Allele origin: germline.
Comment: This sequence change replaces arginine, which is basic and polar, with cysteine, which is neutral and slightly polar, at codon 788 of the NPR2 protein (p.Arg788Cys). This variant is present in population databases (rs761484215, gnomAD 0.006%). This variant has not been reported in the literature in individuals affected with NPR2-related conditions. ClinVar contains an entry for this variant (Variation ID: 1036264). Invitae Evidence Modeling of protein sequence and biophysical properties (such as structural, functional, and spatial information, amino acid conservation, physicochemical variation, residue mobility, and thermodynamic stability) indicates that this missense variant is not expected to disrupt NPR2 protein function with a negative predictive value of 80%. In summary, the available evidence is currently insufficient to determine the role of this variant in disease. Therefore, it has been classified as a Variant of Uncertain Significance.

Ambry Genetics
Classification: Uncertain significance for Inborn genetic diseases. Last evaluated: 2024-11-26. Review status: criteria provided, single submitter. Criteria: Ambry Variant Classification Scheme 2023. Collection method: clinical testing. Allele origin: germline.

NM_003995.4(NPR2):c.2362C>T (p.Arg788Cys)

Gene: NPR2 (natriuretic peptide receptor 2; plus strand). Cytogenetic location: 9p13.3.
Variant type: single nucleotide variant.
Coding change: c.2362C>T on transcript NM_003995.4 (MANE Select); coding-DNA position 2362, C replaced by T.
Protein change: p.Arg788Cys; replaces arginine 788 with cysteine.
Molecular consequence: missense variant.
Genome position (GRCh38, 1-based): chr9:35,806,223, C>T. VCF-style: chr9-35806223-C-T. GRCh37 (hg19) VCF-style: chr9-35806220-C-T.
Other names: c.2362C>T (NM_003995.3); c.2371C>T, p.Arg791Cys (NM_001378923.1); short protein forms R788C, R791C.
Identifiers: ClinVar variation 1036264 (VCV001036264.11), dbSNP rs761484215, ClinGen allele CA5051950.